The following is an entry in ClinVar:

NM_001122681.2(SH3BP2):c.1395C>T (p.Cys465=)

Gene: SH3BP2 (SH3 domain binding protein 2; plus strand). Cytogenetic location: 4p16.3.
Variant type: single nucleotide variant.
Coding change: c.1395C>T on transcript NM_001122681.2 (MANE Select); coding-DNA position 1395, C replaced by T.
Protein change: p.Cys465=; no amino-acid change (cysteine 465 retained).
Molecular consequence: synonymous variant.
Genome position (GRCh38, 1-based): chr4:2,831,967, C>T. VCF-style: chr4-2831967-C-T. GRCh37 (hg19) VCF-style: chr4-2833694-C-T.
Other names: c.1479C>T, p.Cys493= (NM_001145855.2); c.1566C>T, p.Cys522= (NM_001145856.2); c.1395C>T, p.Cys465= (NM_003023.4).
Identifiers: ClinVar variation 739890 (VCV000739890.13), dbSNP rs150049888, ClinGen allele CA2819503.

ClinVar aggregate classification (germline): Likely benign. Review status: criteria provided, multiple submitters, no conflicts (2 of 4 stars). 3 submissions from 3 submitters: Likely benign (2). 1 of the submissions does not count toward it. Last evaluated 2025-10-07.

Conditions:
SH3BP2-related disorder. Also called: SH3BP2-related condition.
Fibrous dysplasia of jaw (CRBM). Also called: Cherubism. Identifiers: Orphanet 184, MedGen C0008029, MONDO:0007315, OMIM 118400.

Allele frequency attached by ClinVar (database versions not stated): gnomAD 0.00009 and 0.00010; ESP Exome Variant Server 0.00038; ExAC 0.00011; gnomAD exomes 0.00011 and 0.00020; TOPMed 0.00011.
gnomAD v4.1: 302 of 1,612,862 alleles (0.019%); highest among the groups gnomAD compares: Middle Eastern, 0.033%; no homozygotes.

Submissions (3):

Labcorp Genetics (formerly Invitae), Labcorp
Classification: Likely benign for Fibrous dysplasia of jaw. Last evaluated: 2025-10-07. Review status: criteria provided, single submitter. Criteria: Invitae Variant Classification Sherloc (09022015). Collection method: clinical testing. Allele origin: germline.

Blueprint Genetics
Classification: Likely benign. Last evaluated: 2024-09-23. Review status: criteria provided, single submitter. Criteria: ACMG Guidelines, 2015. Collection method: clinical testing. Allele origin: germline.

PreventionGenetics, part of Exact Sciences
Classification: Likely benign for SH3BP2-related condition. Last evaluated: 2019-09-23. Review status: no assertion criteria provided. Collection method: clinical testing. Allele origin: germline. Not counted in ClinVar's aggregate classification.
Comment: This variant is classified as likely benign based on ACMG/AMP sequence variant interpretation guidelines (Richards et al. 2015 PMID: 25741868, with internal and published modifications).